The following is an entry in ClinVar:

NM_016194.4(GNB5):c.1034A>G (p.Asn345Ser)

Gene: GNB5 (G protein subunit beta 5; minus strand). Cytogenetic location: 15q21.2.
Variant type: single nucleotide variant.
Coding change: c.1034A>G on transcript NM_016194.4 (MANE Select); coding-DNA position 1034, A replaced by G.
Protein change: p.Asn345Ser; replaces asparagine 345 with serine.
Molecular consequence: missense variant.
Genome position (GRCh38, 1-based): chr15:52,124,615, T>C on the plus strand (A>G on the coding strand, the complement: GNB5 is on the minus strand). VCF-style: chr15-52124615-T-C. GRCh37 (hg19) VCF-style: chr15-52416812-T-C.
Other names: c.752A>G, p.Asn251Ser (NM_001379343.1); c.908A>G, p.Asn303Ser (NM_006578.4); short protein forms N303S, N345S, N251S.
Identifiers: ClinVar variation 2286582 (VCV002286582.4), dbSNP rs778276209, ClinGen allele CA7565542.

ClinVar aggregate classification (germline): Uncertain significance. Review status: criteria provided, multiple submitters, no conflicts (2 of 4 stars). 2 submissions from 2 submitters: Uncertain significance (2). Last evaluated 2024-07-17.

Conditions:
Inborn genetic diseases. Identifiers: MedGen C0950123, MeSH D030342.

Allele frequency attached by ClinVar (database versions not stated): gnomAD 0.00002; TOPMed 0.00003; ExAC 0.00007.
gnomAD v4.1: 49 of 1,613,942 alleles (0.003%); highest among the groups gnomAD compares: Middle Eastern, 0.033%; no homozygotes.

Submissions (2):

GeneDx
Classification: Uncertain significance. Last evaluated: 2024-07-17. Review status: criteria provided, single submitter. Criteria: GeneDx Variant Classification Process June 2021. Collection method: clinical testing. Allele origin: germline. Affected: yes.
Comment: Not observed at significant frequency in large population cohorts (gnomAD); In silico analysis supports that this missense variant has a deleterious effect on protein structure/function; Has not been previously published as pathogenic or benign to our knowledge

Ambry Genetics
Classification: Uncertain significance for Inborn genetic diseases. Last evaluated: 2024-06-26. Review status: criteria provided, single submitter. Criteria: Ambry Variant Classification Scheme 2023. Collection method: clinical testing. Allele origin: germline.